The following is an entry in ClinVar:

NM_000441.2(SLC26A4):c.1579A>G (p.Thr527Ala)

Gene: SLC26A4 (solute carrier family 26 member 4; plus strand). Cytogenetic location: 7q22.3.
Variant type: single nucleotide variant.
Coding change: c.1579A>G on transcript NM_000441.2 (MANE Select); coding-DNA position 1579, A replaced by G.
Protein change: p.Thr527Ala; replaces threonine 527 with alanine.
Molecular consequence: missense variant.
Genome position (GRCh38, 1-based): chr7:107,698,076, A>G. VCF-style: chr7-107698076-A-G. GRCh37 (hg19) VCF-style: chr7-107338521-A-G.
Other names: short protein forms T527A.
Identifiers: ClinVar variation 3031951 (VCV003031951.2), dbSNP rs1554360358, ClinGen allele CA368841600.
Genomic context (GRCh38, chr7:107,698,076, plus strand): 5'-CTTGACCTTGATATTTTTTCTTCTAGTCCTTCTTGGAATGGCCTTGGAAGCATCCCTAGC[A>G]CAGATATCTACAAAAGTACCAAGAATTACAAAAACGTAAGTACCTTTGTGAGACATTTGC-3'
Protein context (NP_000432.1, residues 517-537): SWNGLGSIPS[Thr527Ala]DIYKSTKNYK

ClinVar aggregate classification (germline): Uncertain significance (0 of 4 stars; one submission).

Conditions:
SLC26A4-related disorder. Also called: SLC26A4-related condition; SLC26A4-related disorders.

Submission:

PreventionGenetics, part of Exact Sciences
Classification: Uncertain significance for SLC26A4-related condition. Last evaluated: 2023-10-27. Review status: no assertion criteria provided. Collection method: clinical testing. Allele origin: germline.
Comment: The SLC26A4 c.1579A>G variant is predicted to result in the amino acid substitution p.Thr527Ala. To our knowledge, this variant has not been reported in the literature or in a large population database, indicating this variant is rare. A different substitution at this amino acid position (p.Thr527Pro) has been reported as pathogenic in patient's with SLC26A4 related disorders (Ganaha. 2013. PubMed ID: 23705809; Miyagawa. 2014. PubMed ID: 24599119). At this time, the clinical significance of this variant is uncertain due to the absence of conclusive functional and genetic evidence.